The following is an entry in ClinVar:

ClinVar aggregate classification (germline): Benign (1 of 4 stars; one submission).

Conditions:
Ceroid lipofuscinosis, neuronal, 4 (Kufs type) (CLN4). Also called: Neuronal ceroid lipofuscinosis 4B; Ceroid lipofuscinosis, neuronal, 4, Parry type. Identifiers: Orphanet 228343, Orphanet 79262, MedGen C1834207, MONDO:0008083, OMIM 162350.

Allele frequency attached by ClinVar (database versions not stated): gnomAD 0.00073 and 0.00121; TOPMed 0.00201; 1000 Genomes Project 0.00699; 1000 Genomes Project 30x 0.00734.

Submission:

Illumina Laboratory Services, Illumina
Classification: Benign for Ceroid lipofuscinosis, neuronal, 4 (Kufs type). Last evaluated: 2018-01-13. Review status: criteria provided, single submitter. Criteria: ICSL Variant Classification Criteria 13 December 2019. Collection method: clinical testing. Allele origin: germline.
Comment: This variant was observed in the ICSL laboratory as part of a predisposition screen in an ostensibly healthy population. It had not been previously curated by ICSL or reported in the Human Gene Mutation Database (HGMD: prior to June 1st, 2018), and was therefore a candidate for classification through an automated scoring system. Utilizing variant allele frequency, disease prevalence and penetrance estimates, and inheritance mode, an automated score was calculated to assess if this variant is too frequent to cause the disease. Based on the score and internal cut-off values, a variant classified as benign is not then subjected to further curation. The score for this variant resulted in a classification of benign for this disease.

NM_025219.3(DNAJC5):c.*2039C>T

Gene: DNAJC5 (DnaJ heat shock protein family (Hsp40) member C5; plus strand). Cytogenetic location: 20q13.33.
Variant type: single nucleotide variant.
Coding change: c.*2039C>T on transcript NM_025219.3 (MANE Select); 2039 bases downstream of the stop codon, C replaced by T.
Molecular consequence: 3 prime UTR variant.
Genome position (GRCh38, 1-based): chr20:63,933,607, C>T. VCF-style: chr20-63933607-C-T. GRCh37 (hg19) VCF-style: chr20-62564960-C-T.
Identifiers: ClinVar variation 339402 (VCV000339402.6), dbSNP rs79245733, ClinGen allele CA10652795.